The following is an entry in ClinVar:

NM_207352.4(CYP4V2):c.845_846inv (p.Cys282Tyr)

Gene: CYP4V2 (cytochrome P450 family 4 subfamily V member 2; plus strand). Cytogenetic location: 4q35.2.
Variant type: Inversion.
Coding change: c.845_846inv on transcript NM_207352.4 (MANE Select).
Protein change: p.Cys282Tyr; replaces cysteine 282 with tyrosine.
Molecular consequence: missense variant.
Genome position: GRCh38 VCF-style: chr4-186201200-GT-AC. GRCh37 (hg19) VCF-style: chr4-187122354-GT-AC.
Other names: c.845_846delinsAC (NM_207352.4); short protein forms C282Y.
Identifiers: ClinVar variation 1431014 (VCV001431014.4), ClinGen allele CA2573138171.

ClinVar aggregate classification (germline): Uncertain significance. Review status: criteria provided, single submitter (1 of 4 stars). 2 submissions from 2 submitters: Uncertain significance (1). 1 of the submissions does not count toward it. Last evaluated 2022-08-12.

Conditions:
Retinal dystrophy. Also called: Inherited retinal dystrophy. Identifiers: Orphanet 71862, MedGen C0854723, MeSH D058499, MONDO:0019118, HP:0000556.

Submissions (2):

Labcorp Genetics (formerly Invitae), Labcorp
Classification: Uncertain significance. Last evaluated: 2022-08-12. Review status: criteria provided, single submitter. Criteria: Invitae Variant Classification Sherloc (09022015). Collection method: clinical testing. Allele origin: germline.
Comment: This sequence change replaces cysteine, which is neutral and slightly polar, with tyrosine, which is neutral and polar, at codon 282 of the CYP4V2 protein (p.Cys282Tyr). The frequency data for this variant in the population databases is considered unreliable, as metrics indicate poor data quality at this position in the gnomAD database. This variant has not been reported in the literature in individuals affected with CYP4V2-related conditions. ClinVar contains an entry for this variant (Variation ID: 1431014). Algorithms developed to predict the effect of missense changes on protein structure and function are either unavailable or do not agree on the potential impact of this missense change (SIFT: "Not Available"; PolyPhen-2: "Benign"; Align-GVGD: "Not Available"). In summary, the available evidence is currently insufficient to determine the role of this variant in disease. Therefore, it has been classified as a Variant of Uncertain Significance.

Institute of Human Genetics, Univ. Regensburg, Univ. Regensburg
Classification: Uncertain significance for Retinal dystrophy. Last evaluated: 2023-01-01. Review status: no assertion criteria provided. Criteria: ACMG Guidelines, 2015. Collection method: clinical testing. Allele origin: germline. Affected: yes. Not counted in ClinVar's aggregate classification.